The following is an entry in ClinVar:

NM_000057.4(BLM):c.1238A>T (p.Glu413Val)

Gene: BLM (BLM RecQ like helicase; plus strand). Cytogenetic location: 15q26.1.
Variant type: single nucleotide variant.
Coding change: c.1238A>T on transcript NM_000057.4 (MANE Select); coding-DNA position 1238, A replaced by T.
Protein change: p.Glu413Val; replaces glutamic acid 413 with valine.
Molecular consequence: missense variant.
Genome position (GRCh38, 1-based): chr15:90,760,611, A>T. VCF-style: chr15-90760611-A-T. GRCh37 (hg19) VCF-style: chr15-91303841-A-T.
Other names: c.1238A>T, p.Glu413Val (NM_001287247.2, NM_001287246.2); c.113A>T, p.Glu38Val (NM_001287248.2); short protein forms E38V, E413V.
Identifiers: ClinVar variation 818675 (VCV000818675.19), dbSNP rs1215111361, ClinGen allele CA393842623.

ClinVar aggregate classification (germline): Uncertain significance. Review status: criteria provided, multiple submitters, no conflicts (2 of 4 stars). 4 submissions from 4 submitters: Uncertain significance (3). 1 of the submissions does not count toward it. Last evaluated 2025-08-07.

Conditions:
Hereditary cancer-predisposing syndrome. Also called: Tumor predisposition; Hereditary neoplastic syndrome; Neoplastic Syndromes, Hereditary; Hereditary Cancer Syndrome. Identifiers: Orphanet 140162, MedGen C0027672, MeSH D009386, MONDO:0015356.
Bloom syndrome (BLM). Also called: Bloom-Torre-Machacek syndrome. Identifiers: Orphanet 125, MedGen C0005859, MONDO:0008876, OMIM 210900.

Allele frequency attached by ClinVar (database versions not stated): gnomAD exomes 0.00001; TOPMed 0.00001.
gnomAD v4.1: 4 of 1,611,620 alleles (0.00025%); highest among the groups gnomAD compares: Admixed American, 0.0017%; no homozygotes.

Submissions (4):

Labcorp Genetics (formerly Invitae), Labcorp
Classification: Uncertain significance for Bloom syndrome. Last evaluated: 2025-08-07. Review status: criteria provided, single submitter. Criteria: Invitae Variant Classification Sherloc (09022015). Collection method: clinical testing. Allele origin: germline.
Comment: This sequence change replaces glutamic acid, which is acidic and polar, with valine, which is neutral and non-polar, at codon 413 of the BLM protein (p.Glu413Val). This variant is present in population databases (no rsID available, gnomAD 0.003%). This variant has not been reported in the literature in individuals affected with BLM-related conditions. ClinVar contains an entry for this variant (Variation ID: 818675). Invitae Evidence Modeling of protein sequence and biophysical properties (such as structural, functional, and spatial information, amino acid conservation, physicochemical variation, residue mobility, and thermodynamic stability) indicates that this missense variant is not expected to disrupt BLM protein function with a negative predictive value of 80%. Studies have shown that this missense change is associated with inconclusive levels of altered splicing (internal data). In summary, the available evidence is currently insufficient to determine the role of this variant in disease. Therefore, it has been classified as a Variant of Uncertain Significance.

Ambry Genetics
Classification: Uncertain significance for Hereditary cancer-predisposing syndrome. Last evaluated: 2025-02-02. Review status: criteria provided, single submitter. Criteria: Ambry Variant Classification Scheme 2023. Collection method: clinical testing. Allele origin: germline.
Comment: The p.E413V variant (also known as c.1238A>T), located in coding exon 6 of the BLM gene, results from an A to T substitution at nucleotide position 1238. The glutamic acid at codon 413 is replaced by valine, an amino acid with dissimilar properties. This amino acid position is not well conserved in available vertebrate species. In addition, this alteration is predicted to be tolerated by in silico analysis. Since supporting evidence is limited at this time, the clinical significance of this alteration remains unclear.

Genetic Services Laboratory, University of Chicago
Classification: Uncertain significance. Last evaluated: 2021-08-09. Review status: criteria provided, single submitter. Criteria: ACMG Guidelines, 2015. Collection method: clinical testing. Allele origin: germline. Affected: no.
Comment: DNA sequence analysis of the BLM gene demonstrated a sequence change, c.1238A>T, in exon 7 that results in an amino acid change, p.Glu413Val. This sequence change has been described in the gnomAD database in two heterozygous individuals which corresponds to a population frequency of 0.0008% (dbSNP rs1215111361). The p.Glu413Val change affects a poorly conserved amino acid residue located in a domain of the BLM protein that is not known to be functional. In-silico pathogenicity prediction tools (SIFT, PolyPhen2, Align GVGD, REVEL) provide contradictory results for the p.Glu413Val substitution. This sequence change does not appear to have been previously described in individuals with BLM-related disorders. Due to insufficient evidences and the lack of functional studies, the clinical significance of the p.Glu413Val change remains unknown at this time.

Natera, Inc.
Classification: Uncertain significance for Bloom syndrome. Last evaluated: 2020-03-31. Review status: no assertion criteria provided. Collection method: clinical testing. Allele origin: germline. Not counted in ClinVar's aggregate classification.